The following is an entry in ClinVar:

ClinVar aggregate classification (germline): Pathogenic. Review status: criteria provided, multiple submitters, no conflicts (2 of 4 stars). 2 submissions from 2 submitters: Pathogenic (2). Last evaluated 2024-07-30.

Conditions:
Familial cancer of breast. Also called: BREAST CANCER, FAMILIAL; hereditary breast carcinoma; Hereditary breast cancer. Identifiers: Orphanet 227535, MedGen C0346153, MONDO:0016419, OMIM 114480. Disease mechanism: loss of function.

Submissions (2):

Myriad Genetics, Inc.
Classification: Pathogenic for Familial cancer of breast. Last evaluated: 2024-07-30. Review status: criteria provided, single submitter. Criteria: Myriad Autosomal Dominant, Autosomal Recessive and X-Linked Classification Criteria (2023). Collection method: clinical testing. Allele origin: unknown.
Comment: This variant is considered pathogenic. This variant creates a termination codon and is predicted to result in premature protein truncation.

Juno Genomics, Hangzhou Juno Genomics, Inc
Classification: Pathogenic for Familial cancer of breast. Review status: criteria provided, single submitter. Criteria: ACMG Guidelines, 2015. Collection method: clinical testing. Allele origin: germline.
Comment: Null variant in a gene where loss of function (LOF) is a known mechanism of disease.;Absent from controls (or at extremely low frequency if recessive) in Genome Aggregation Database.;Patient's phenotype or family history is highly specific for a disease with a single genetic etiology.

NM_000465.4(BARD1):c.1648G>T (p.Glu550Ter)

Gene: BARD1 (BRCA1 associated RING domain 1; minus strand). Cytogenetic location: 2q35.
Variant type: single nucleotide variant.
Coding change: c.1648G>T on transcript NM_000465.4 (MANE Select); coding-DNA position 1648, G replaced by T.
Protein change: p.Glu550Ter; replaces glutamic acid 550 with a stop codon.
Molecular consequence: nonsense. On other transcripts: non-coding transcript variant (3), intron variant (1).
Genome position (GRCh38, 1-based): chr2:214,752,476, C>A on the plus strand (G>T on the coding strand, the complement: BARD1 is on the minus strand). VCF-style: chr2-214752476-C-A. GRCh37 (hg19) VCF-style: chr2-215617200-C-A.
Other names: c.1591G>T, p.Glu531Ter (NM_001282543.2); c.295G>T, p.Glu99Ter (NM_001282545.2); c.238G>T, p.Glu80Ter (NM_001282548.2); c.365-21968G>T (NM_001282549.2); short protein forms E531*, E550*, E80*, E99*.
Identifiers: ClinVar variation 3378482 (VCV003378482.3).